The following is an entry in ClinVar:

ClinVar aggregate classification (germline): Uncertain significance. Review status: criteria provided, multiple submitters, no conflicts (2 of 4 stars). 2 submissions from 2 submitters: Uncertain significance (2). Last evaluated 2025-09-09.

Conditions:
Cardiomyopathy (CMYO). Also called: Cardiomyopathies. Identifiers: Orphanet 167848, MedGen C0878544, MONDO:0004994, HP:0001638. Inheritance: Various modes of inheritance.
Catecholaminergic polymorphic ventricular tachycardia 1. Also called: RYR2-Related Catecholaminergic Polymorphic Ventricular Tachycardia; VENTRICULAR TACHYCARDIA, CATECHOLAMINERGIC POLYMORPHIC, 1, WITH OR WITHOUT ATRIAL DYSFUNCTION AND/OR DILATED CARDIOMYOPATHY; VENTRICULAR TACHYCARDIA, STRESS-INDUCED POLYMORPHIC 1. Identifiers: Orphanet 3286, MedGen C1631597, MONDO:0011484, OMIM 604772.

Allele frequency attached by ClinVar (database versions not stated): gnomAD exomes 0.00001; ExAC 0.00002.
gnomAD v4.1: 19 of 1,613,632 alleles (0.0012%); highest among the groups gnomAD compares: Non-Finnish European, 0.0014%; no homozygotes.

Submissions (2):

Color Diagnostics, LLC DBA Color Health
Classification: Uncertain significance for Cardiomyopathy. Last evaluated: 2025-09-09. Review status: criteria provided, single submitter. Criteria: ACMG Guidelines, 2015. Collection method: clinical testing. Allele origin: germline.
Comment: This missense variant replaces histidine with tyrosine at codon 651 of the RYR2 protein. Computational prediction suggests that this variant may not impact protein structure and function. To our knowledge, functional studies have not been reported for this variant. This variant has not been reported in individuals affected with RYR2-related disorders in the literature. This variant has been identified in 2/248502 chromosomes in the general population by the Genome Aggregation Database (gnomAD). The available evidence is insufficient to determine the role of this variant in disease conclusively. Therefore, this variant is classified as a Variant of Uncertain Significance.

Labcorp Genetics (formerly Invitae), Labcorp
Classification: Uncertain significance for Catecholaminergic polymorphic ventricular tachycardia 1. Last evaluated: 2020-12-23. Review status: criteria provided, single submitter. Criteria: Invitae Variant Classification Sherloc (09022015). Collection method: clinical testing. Allele origin: germline.
Comment: Algorithms developed to predict the effect of missense changes on protein structure and function are either unavailable or do not agree on the potential impact of this missense change (SIFT: "Deleterious"; PolyPhen-2: "Benign"; Align-GVGD: "Class C65"). In summary, the available evidence is currently insufficient to determine the role of this variant in disease. Therefore, it has been classified as a Variant of Uncertain Significance. This variant has not been reported in the literature in individuals with RYR2-related disease. This sequence change replaces histidine with tyrosine at codon 651 of the RYR2 protein (p.His651Tyr). The histidine residue is highly conserved and there is a moderate physicochemical difference between histidine and tyrosine. This variant is present in population databases (rs759839219, ExAC 0.003%).

NM_001035.3(RYR2):c.1951C>T (p.His651Tyr)

Gene: RYR2 (ryanodine receptor 2; plus strand). Cytogenetic location: 1q43.
Variant type: single nucleotide variant.
Coding change: c.1951C>T on transcript NM_001035.3 (MANE Select); coding-DNA position 1951, C replaced by T.
Protein change: p.His651Tyr; replaces histidine 651 with tyrosine.
Molecular consequence: missense variant.
Genome position (GRCh38, 1-based): chr1:237,493,077, C>T. VCF-style: chr1-237493077-C-T. GRCh37 (hg19) VCF-style: chr1-237656377-C-T.
Other names: c.1951C>T, p.His651Tyr (LRG_402t1); short protein forms H651Y.
Identifiers: ClinVar variation 654069 (VCV000654069.10), dbSNP rs759839219, ClinGen allele CA085917.